The following is an entry in ClinVar:

ClinVar aggregate classification (germline): Benign (1 of 4 stars; one submission).

Allele frequency attached by ClinVar (database versions not stated): 1000 Genomes Project 0.37859; 1000 Genomes Project 30x 0.38101; TOPMed 0.48677; gnomAD 0.50412; gnomAD exomes 0.61191.
gnomAD v4.1: 904,489 of 1,506,094 alleles (60%); highest among the groups gnomAD compares: Middle Eastern, 68%; 283,993 homozygotes.

Submission:

Unidad de Genómica Garrahan, Hospital de Pediatría Garrahan
Classification: Benign. Last evaluated: 2024-01-24. Review status: criteria provided, single submitter. Criteria: ACMG Guidelines, 2015. Collection method: clinical testing. Allele origin: germline. Affected: no. Observed: 55 variant alleles.
Comment: This variant is classified as Benign based on local population frequency. This variant was detected in 58% of patients studied by a panel of primary immunodeficiencies. Number of patients: 55. Only high quality variants are reported.

NM_182916.3(TRNT1):c.148+630C>A

Gene: TRNT1 (tRNA nucleotidyl transferase 1; plus strand). Cytogenetic location: 3p26.2.
Variant type: single nucleotide variant.
Coding change: c.148+630C>A on transcript NM_182916.3 (MANE Select); 630 bases into the intron after coding-DNA position 148, C replaced by A.
Molecular consequence: intron variant.
Genome position (GRCh38, 1-based): chr3:3,129,818, C>A. VCF-style: chr3-3129818-C-A. GRCh37 (hg19) VCF-style: chr3-3171502-C-A.
Other names: c.148+630C>A (NM_001367321.1, NM_001367323.1, NM_001367322.1 and 1 more transcripts).
Identifiers: ClinVar variation 2688080 (VCV002688080.2), dbSNP rs334768, ClinGen allele CA11526357.